The following is an entry in ClinVar:

NM_206933.4(USH2A):c.15233C>G (p.Pro5078Arg)

Gene: USH2A (usherin; minus strand). Cytogenetic location: 1q41.
Variant type: single nucleotide variant.
Coding change: c.15233C>G on transcript NM_206933.4 (MANE Select); coding-DNA position 15233, C replaced by G.
Protein change: p.Pro5078Arg; replaces proline 5078 with arginine.
Molecular consequence: missense variant.
Genome position (GRCh38, 1-based): chr1:215,634,523, G>C on the plus strand (C>G on the coding strand, the complement: USH2A is on the minus strand). VCF-style: chr1-215634523-G-C. GRCh37 (hg19) VCF-style: chr1-215807865-G-C.
Other names: short protein forms P5078R.
Identifiers: ClinVar variation 143177 (VCV000143177.22), dbSNP rs527236122, ClinGen allele CA270149.
Genomic context (GRCh38, chr1:215,634,523, plus strand): 5'-TGGTTTTCCCCCGGTGGGTAAACATTCAATGGAGACATCCTCTTCTGAAGAGGTACCAAG[G>C]GAGGTCTTTCTCTGATATATGGCTCTTTGTGGATTTTTCTTTGTAGTATCAGGGACAGAA-3'
Protein context (NP_996816.3, residues 5068-5088): HKEPYIRERP[Pro5078Arg]LVPLQKRMSP

ClinVar aggregate classification (germline): Conflicting classifications of pathogenicity. Review status: criteria provided, conflicting classifications (1 of 4 stars). 11 submissions from 11 submitters: Pathogenic (1); Likely pathogenic (3); Uncertain significance (5). 2 of the submissions do not count toward it. Last evaluated 2025-12-19.

Conditions:
Usher syndrome. Also called: Usher Syndromes; Usher's syndrome. Identifiers: Orphanet 886, MedGen CN469326, MeSH D052245, MONDO:0019501. Disease mechanism: loss of function.
USH2A-related disorder. Also called: USH2A-related disorders; USH2A-related condition. Identifiers: MedGen CN239332.
Retinal dystrophy. Also called: Inherited retinal dystrophy. Identifiers: Orphanet 71862, MedGen C0854723, MeSH D058499, MONDO:0019118, HP:0000556.
Retinitis pigmentosa 39 (RP39). Identifiers: Orphanet 791, MedGen C3151138, MONDO:0013436, OMIM 613809.
Usher syndrome type 2A. Also called: USHER SYNDROME, TYPE IIA; RETINAL DISEASE IN USHER SYNDROME TYPE IIA, MODIFIER OF. Identifiers: Orphanet 231178, Orphanet 886, MedGen C1848634, MONDO:0010169, OMIM 276901.
Retinitis pigmentosa (RP). Identifiers: Orphanet 791, MedGen C0035334, MeSH D012174, MONDO:0019200, OMIM 268000. Inheritance: Autosomal dominant, autosomal recessive and X linked inheritance.

Allele frequency attached by ClinVar (database versions not stated): gnomAD 0.00001 and 0.00002; TOPMed 0.00001; ExAC 0.00007.
gnomAD v4.1: 108 of 1,614,154 alleles (0.0067%); highest among the groups gnomAD compares: East Asian, 0.24%; no homozygotes.

Submissions (11):

Labcorp Genetics (formerly Invitae), Labcorp
Classification: Pathogenic. Last evaluated: 2025-12-19. Review status: criteria provided, single submitter. Criteria: Invitae Variant Classification Sherloc (09022015). Collection method: clinical testing. Allele origin: germline.
Comment: This sequence change replaces proline, which is neutral and non-polar, with arginine, which is basic and polar, at codon 5078 of the USH2A protein (p.Pro5078Arg). This variant is present in population databases (rs527236122, gnomAD 0.1%). This missense change has been observed in individuals with retinitis pigmentosa (PMID: 23967202, 25324289, 31213501, 33105608, 33691693). ClinVar contains an entry for this variant (Variation ID: 143177). Invitae Evidence Modeling of protein sequence and biophysical properties (such as structural, functional, and spatial information, amino acid conservation, physicochemical variation, residue mobility, and thermodynamic stability) indicates that this missense variant is expected to disrupt USH2A protein function with a positive predictive value of 95%. For these reasons, this variant has been classified as Pathogenic.

Women's Health and Genetics/Laboratory Corporation of America, LabCorp
Classification: Likely pathogenic for Usher syndrome. Last evaluated: 2024-08-15. Review status: criteria provided, single submitter. Criteria: LabCorp Variant Classification Summary - May 2015. Collection method: clinical testing. Allele origin: germline.
Comment: Variant summary: USH2A c.15233C>G (p.Pro5078Arg) results in a non-conservative amino acid change in the encoded protein sequence. Four of five in-silico tools predict a damaging effect of the variant on protein function. The variant allele was found at a frequency of 6.4e-05 in 251442 control chromosomes. This frequency is not significantly higher than estimated for a pathogenic variant in USH2A causing Usher Syndrome (6.4e-05 vs 0.011), allowing no conclusion about variant significance. c.15233C>G has been reported in the literaturein the homozygous and compound heterozygous states in individuals affected with Usher Syndrome (e.g. Oishi_2014, Miyagawa_2013, Inaba_2020, Ma_2021, Ma_2023, Koyanagi_2020). These data indicate that the variant is likely to be associated with disease. To our knowledge, no experimental evidence demonstrating an impact on protein function has been reported. The following publications have been ascertained in the context of this evaluation (PMID: 33105608, 32749464, 33691693, 36597107, 23967202, 25324289). ClinVar contains an entry for this variant (Variation ID: 143177). Based on the evidence outlined above, the variant was classified as likely pathogenic.

Myriad Genetics, Inc.
Classification: Likely pathogenic for USH2A-related disorder. Last evaluated: 2024-07-16. Review status: criteria provided, single submitter. Criteria: Myriad Autosomal Dominant, Autosomal Recessive and X-Linked Classification Criteria (2023). Collection method: clinical testing. Allele origin: unknown.
Comment: NM_206933.2(USH2A):c.15233C>G(P5078R) is a missense variant classified as likely pathogenic in the context of USH2A-related disorders. P5078R has been observed in cases with relevant disease (PMID: 31213501, 33105608, 25324289, 26346818, 33691693). Relevant functional assessments of this variant are not available in the literature. P5078R has been observed in referenced population frequency databases. In summary, NM_206933.2(USH2A):c.15233C>G(P5078R) is a missense variant that has been observed more frequently in cases with the relevant disease than in healthy populations. Please note: this variant was assessed in the context of healthy population screening.

Dept Of Ophthalmology, Nagoya University
Classification: Uncertain significance for Retinal dystrophy. Last evaluated: 2023-10-01. Review status: criteria provided, single submitter. Criteria: Submitter's publication. Collection method: research. Allele origin: germline. Affected: yes.

Baylor Genetics
Classification: Uncertain significance for Retinitis pigmentosa 39. Last evaluated: 2023-07-22. Review status: criteria provided, single submitter. Criteria: ACMG Guidelines, 2015. Collection method: clinical testing. Allele origin: unknown.

Blueprint Genetics
Classification: Likely pathogenic for USH2A-related disorders. Last evaluated: 2022-09-08. Review status: criteria provided, single submitter. Criteria: ACMG Guidelines, 2015. Collection method: clinical testing. Allele origin: germline. Affected: yes. Observed: 5 variant alleles.

GeneDx
Classification: Uncertain significance. Last evaluated: 2022-08-22. Review status: criteria provided, single submitter. Criteria: GeneDx Variant Classification Process June 2021. Collection method: clinical testing. Allele origin: germline. Affected: yes.
Comment: In silico analysis supports that this missense variant has a deleterious effect on protein structure/function; This variant is associated with the following publications: (PMID: 32637036, 25324289, 26346818, 30245029, 23967202, 33105608, 32749464, 33691693, 33629268, 31213501)

Soonchunhyang University Bucheon Hospital, Soonchunhyang University Medical Center
Classification: Uncertain significance for Usher syndrome type 2A. Last evaluated: 2016-03-18. Review status: criteria provided, single submitter. Criteria: ACMG Guidelines, 2015. Collection method: reference population. Allele origin: germline. Observed: 1 variant allele.

Juno Genomics, Hangzhou Juno Genomics, Inc
Classification: Uncertain significance for Retinitis pigmentosa 39; Usher syndrome type 2A. Review status: criteria provided, single submitter. Criteria: ACMG Guidelines, 2015. Collection method: clinical testing. Allele origin: germline.
Comment: For recessive disorders, detected in trans with a pathogenic variant.;Patient's phenotype or family history is highly specific for a disease with a single genetic etiology.

Natera, Inc.
Classification: Uncertain significance for Usher syndrome type 2A. Last evaluated: 2020-02-06. Review status: no assertion criteria provided. Collection method: clinical testing. Allele origin: germline. Not counted in ClinVar's aggregate classification.

Department of Ophthalmology and Visual Sciences Kyoto University
Classification: Pathogenic for Retinitis pigmentosa. Review status: no assertion criteria provided. Collection method: not provided. Allele origin: unknown. Not counted in ClinVar's aggregate classification.
ClinVar note: Converted during submission from pathogenic to Pathogenic.

Literature cited by the submitters: PubMed 23967202 (cited by 3 submitters); PubMed 25324289 (cited by 3 submitters); PubMed 31213501 (cited by Labcorp Genetics (formerly Invitae), Labcorp and Myriad Genetics, Inc.); PubMed 33105608 (cited by 3 submitters); PubMed 33691693 (cited by 3 submitters); PubMed 36597107 (cited by Women's Health and Genetics/Laboratory Corporation of America, LabCorp); PubMed 32749464 (cited by Women's Health and Genetics/Laboratory Corporation of America, LabCorp); PubMed 26346818 (cited by Myriad Genetics, Inc.).